The following is an entry in ClinVar:

NM_181882.3(PRX):c.956T>G (p.Val319Gly)

Gene: PRX (periaxin; minus strand). Cytogenetic location: 19q13.2.
Variant type: single nucleotide variant.
Coding change: c.956T>G on transcript NM_181882.3 (MANE Select); coding-DNA position 956, T replaced by G.
Protein change: p.Val319Gly; replaces valine 319 with glycine.
Molecular consequence: missense variant. On other transcripts: 3 prime UTR variant (1).
Genome position (GRCh38, 1-based): chr19:40,397,396, A>C on the plus strand (T>G on the coding strand, the complement: PRX is on the minus strand). VCF-style: chr19-40397396-A-C. GRCh37 (hg19) VCF-style: chr19-40903303-A-C.
Other names: c.1241T>G, p.Val414Gly (NM_001411127.1); c.*1161T>G (NM_020956.2); short protein forms V319G, V414G.
Identifiers: ClinVar variation 2078632 (VCV002078632.5), dbSNP rs768703641, ClinGen allele CA9444350.
Genomic context (GRCh38, chr19:40,397,396, plus strand): 5'-AAGGCCAGGTCCACCCCCACAGTCGGTGCTGCCACATCCAGGGTGGGCACCACTACCGAC[A>C]CAGCCCCTTCCCGGGTCTCTAGGCAGGGAAGTGTGGGCAGAGTGGGCAGTGAGGGCAAGG-3'
Protein context (NP_870998.2, residues 309-329): LPCLETREGA[Val319Gly]SVVVPTLDVA

ClinVar aggregate classification (germline): Uncertain significance. Review status: criteria provided, multiple submitters, no conflicts (2 of 4 stars). 2 submissions from 2 submitters: Uncertain significance (2). Last evaluated 2025-07-02.

Conditions:
Inborn genetic diseases. Identifiers: MedGen C0950123, MeSH D030342.
Charcot-Marie-Tooth disease type 4. Also called: Charcot-Marie-Tooth disease, type IV; Charcot-Marie-Tooth, Type 4. Identifiers: Orphanet 64749, MedGen C4082197, MONDO:0018995.

Allele frequency attached by ClinVar (database versions not stated): gnomAD 0.00001; gnomAD exomes 0.00001; TOPMed below 0.00001; ExAC 0.00001.
gnomAD v4.1: 18 of 1,612,070 alleles (0.0011%); highest among the groups gnomAD compares: Non-Finnish European, 0.0014%; no homozygotes.

Submissions (2):

Ambry Genetics
Classification: Uncertain significance for Inborn genetic diseases. Last evaluated: 2025-07-02. Review status: criteria provided, single submitter. Criteria: Ambry Variant Classification Scheme 2023. Collection method: clinical testing. Allele origin: germline.

Labcorp Genetics (formerly Invitae), Labcorp
Classification: Uncertain significance for Charcot-Marie-Tooth disease type 4. Last evaluated: 2022-01-01. Review status: criteria provided, single submitter. Criteria: Invitae Variant Classification Sherloc (09022015). Collection method: clinical testing. Allele origin: germline.
Comment: Algorithms developed to predict the effect of missense changes on protein structure and function are either unavailable or do not agree on the potential impact of this missense change (SIFT: "Tolerated"; PolyPhen-2: "Possibly Damaging"; Align-GVGD: "Class C0"). In summary, the available evidence is currently insufficient to determine the role of this variant in disease. Therefore, it has been classified as a Variant of Uncertain Significance. This variant has not been reported in the literature in individuals affected with PRX-related conditions. This variant is present in population databases (rs768703641, gnomAD 0.002%). This sequence change replaces valine, which is neutral and non-polar, with glycine, which is neutral and non-polar, at codon 319 of the PRX protein (p.Val319Gly).